The following is an entry in ClinVar:

ClinVar aggregate classification (germline): Conflicting classifications of pathogenicity. Review status: criteria provided, conflicting classifications (1 of 4 stars). 3 submissions from 3 submitters: Uncertain significance (1); Likely benign (1). 1 of the submissions does not count toward it. Last evaluated 2024-06-21.

Conditions:
MKKS-related disorder. Also called: MKKS-related condition; MKKS-related disorders.

Allele frequency attached by ClinVar (database versions not stated): gnomAD exomes 0.00008 and 0.00014; ExAC 0.00032; gnomAD 0.00053 and 0.00055; TOPMed 0.00057; ESP Exome Variant Server 0.00069; 1000 Genomes Project 30x 0.00125; 1000 Genomes Project 0.00140.
gnomAD v4.1: 203 of 1,598,000 alleles (0.013%); highest among the groups gnomAD compares: African/African-American, 0.2%; 2 homozygotes.

Submissions (3):

Blueprint Genetics
Classification: Likely benign. Last evaluated: 2024-06-21. Review status: criteria provided, single submitter. Criteria: ACMG Guidelines, 2015. Collection method: clinical testing. Allele origin: germline.

Eurofins Ntd Llc (ga)
Classification: Uncertain significance. Last evaluated: 2016-11-01. Review status: criteria provided, single submitter. Criteria: EGL Classification Definitions 2015. Collection method: clinical testing. Allele origin: germline. Observed: 1 variant allele, 1 heterozygote.

PreventionGenetics, part of Exact Sciences
Classification: Likely benign for MKKS-related condition. Last evaluated: 2019-09-16. Review status: no assertion criteria provided. Collection method: clinical testing. Allele origin: germline. Not counted in ClinVar's aggregate classification.
Comment: This variant is classified as likely benign based on ACMG/AMP sequence variant interpretation guidelines (Richards et al. 2015 PMID: 25741868, with internal and published modifications).

NM_170784.3(MKKS):c.*10A>G

Gene: MKKS (MKKS centrosomal shuttling protein; minus strand). Cytogenetic location: 20p12.2.
Variant type: single nucleotide variant.
Coding change: c.*10A>G on transcript NM_170784.3 (MANE Select); 10 bases downstream of the stop codon, A replaced by G.
Molecular consequence: 3 prime UTR variant. On other transcripts: non-coding transcript variant (1).
Genome position (GRCh38, 1-based): chr20:10,405,237, T>C on the plus strand (A>G on the coding strand, the complement: MKKS is on the minus strand). VCF-style: chr20-10405237-T-C. GRCh37 (hg19) VCF-style: chr20-10385885-T-C.
Other names: c.*10A>G (NM_018848.3).
Identifiers: ClinVar variation 497899 (VCV000497899.8), dbSNP rs144934812, ClinGen allele CA9763436.